The following is an entry in ClinVar:

ClinVar aggregate classification (germline): Uncertain significance (1 of 4 stars; one submission).

Conditions:
Inborn genetic diseases. Identifiers: MedGen C0950123, MeSH D030342.

gnomAD v4.1: 1 of 1,613,948 alleles (0.000062%); highest among the groups gnomAD compares: Non-Finnish European, 0.000085%; no homozygotes.

Submission:

Ambry Genetics
Classification: Uncertain significance for Inborn genetic diseases. Last evaluated: 2024-11-17. Review status: criteria provided, single submitter. Criteria: Ambry Variant Classification Scheme 2023. Collection method: clinical testing. Allele origin: germline.
Comment: The p.D356E variant (also known as c.1068C>A), located in coding exon 5 of the SH2B3 gene, results from a C to A substitution at nucleotide position 1068. The aspartic acid at codon 356 is replaced by glutamic acid, an amino acid with highly similar properties. This amino acid position is conserved. In addition, this alteration is predicted to be tolerated by in silico analysis. Based on the available evidence, the clinical significance of this variant remains unclear.

NM_005475.3(SH2B3):c.1068C>A (p.Asp356Glu)

Gene: SH2B3 (SH2B adaptor protein 3; plus strand). Cytogenetic location: 12q24.12.
Variant type: single nucleotide variant.
Coding change: c.1068C>A on transcript NM_005475.3 (MANE Select); coding-DNA position 1068, C replaced by A.
Protein change: p.Asp356Glu; replaces aspartic acid 356 with glutamic acid.
Molecular consequence: missense variant.
Genome position (GRCh38, 1-based): chr12:111,447,376, C>A. VCF-style: chr12-111447376-C-A. GRCh37 (hg19) VCF-style: chr12-111885180-C-A.
Other names: c.462C>A, p.Asp154Glu (NM_001291424.1); short protein forms D356E, D154E.
Identifiers: ClinVar variation 3440728 (VCV003440728.1).
Genomic context (GRCh38, chr12:111,447,376, plus strand): 5'-ATCTTATCTAACAGGTGCTTCTCCTGGGGGGCTGCTGGACCCGGCCTGCCAGAAGACGGA[C>A]CATTTCCTGTCCTGCTACCCCTGGTTCCACGGCCCCATCTCCAGAGTGAAAGCAGCTCAG-3'
Protein context (NP_005466.1, residues 346-366): GLLDPACQKT[Asp356Glu]HFLSCYPWFH